The following is an entry in ClinVar:

NM_014314.4(RIGI):c.1367C>T (p.Pro456Leu)

Gene: RIGI (RNA sensor RIG-I; minus strand). Cytogenetic location: 9p21.1.
Variant type: single nucleotide variant.
Coding change: c.1367C>T on transcript NM_014314.4 (MANE Select); coding-DNA position 1367, C replaced by T.
Protein change: p.Pro456Leu; replaces proline 456 with leucine.
Molecular consequence: missense variant.
Genome position (GRCh38, 1-based): chr9:32,487,479, G>A on the plus strand (C>T on the coding strand, the complement: RIGI is on the minus strand). VCF-style: chr9-32487479-G-A. GRCh37 (hg19) VCF-style: chr9-32487477-G-A.
Other names: c.1361C>T, p.Pro454Leu (NM_001385907.1); c.1367C>T, p.Pro456Leu (NM_001385909.1); c.926C>T, p.Pro309Leu (NM_001385910.1); c.758C>T, p.Pro253Leu (NM_001385912.1); c.1352C>T, p.Pro451Leu (NM_001385913.1); c.923C>T, p.Pro308Leu (NM_001385914.1); short protein forms P308L, P451L, P456L, P253L, P309L, P454L.
Identifiers: ClinVar variation 2196308 (VCV002196308.4), dbSNP rs369552113, ClinGen allele CA5019857.

ClinVar aggregate classification (germline): Uncertain significance (1 of 4 stars; one submission).

Allele frequency attached by ClinVar (database versions not stated): ExAC 0.00001; TOPMed 0.00001; gnomAD exomes 0.00003; ESP Exome Variant Server 0.00008.
gnomAD v4.1: 45 of 1,614,052 alleles (0.0028%); highest among the groups gnomAD compares: Non-Finnish European, 0.0037%; no homozygotes.

Submission:

Labcorp Genetics (formerly Invitae), Labcorp
Classification: Uncertain significance. Last evaluated: 2024-10-19. Review status: criteria provided, single submitter. Criteria: Invitae Variant Classification Sherloc (09022015). Collection method: clinical testing. Allele origin: germline.
Comment: This sequence change replaces proline, which is neutral and non-polar, with leucine, which is neutral and non-polar, at codon 456 of the DDX58 protein (p.Pro456Leu). This variant is present in population databases (rs369552113, gnomAD 0.0009%). This variant has not been reported in the literature in individuals affected with DDX58-related conditions. ClinVar contains an entry for this variant (Variation ID: 2196308). Invitae Evidence Modeling of protein sequence and biophysical properties (such as structural, functional, and spatial information, amino acid conservation, physicochemical variation, residue mobility, and thermodynamic stability) indicates that this missense variant is expected to disrupt DDX58 protein function with a positive predictive value of 80%. In summary, the available evidence is currently insufficient to determine the role of this variant in disease. Therefore, it has been classified as a Variant of Uncertain Significance.